The following is an entry in ClinVar:

NC_000004.12:g.121813865GT[1]

Gene: EXOSC9 (exosome component 9; plus strand). Cytogenetic location: 4q27.
Variant type: Microsatellite.
Genome position: GRCh38 VCF-style: chr4-121813864-AGT-A. GRCh37 (hg19) VCF-style: chr4-122735019-AGT-A.
Identifiers: ClinVar variation 1396946 (VCV001396946.6), dbSNP rs2149039114, ClinGen allele CA2580616762.

ClinVar aggregate classification (germline): Pathogenic (1 of 4 stars; one submission).

Submission:

Labcorp Genetics (formerly Invitae), Labcorp
Classification: Pathogenic. Last evaluated: 2023-07-21. Review status: criteria provided, single submitter. Criteria: Invitae Variant Classification Sherloc (09022015). Collection method: clinical testing. Allele origin: germline.
Comment: This sequence change creates a premature translational stop signal (p.Val326Phefs*23) in the EXOSC9 gene. It is expected to result in an absent or disrupted protein product. Loss-of-function variants in EXOSC9 are known to be pathogenic (PMID: 29727687, 33040083). This variant is not present in population databases (gnomAD no frequency). This variant has not been reported in the literature in individuals affected with EXOSC9-related conditions. Algorithms developed to predict the effect of sequence changes on RNA splicing suggest that this variant may disrupt the consensus splice site. For these reasons, this variant has been classified as Pathogenic.

Literature cited by the submitters: PubMed 29727687; PubMed 33040083.